The following is an entry in ClinVar:

ClinVar aggregate classification (germline): Uncertain significance (1 of 4 stars; one submission).

Submission:

Labcorp Genetics (formerly Invitae), Labcorp
Classification: Uncertain significance. Last evaluated: 2024-05-22. Review status: criteria provided, single submitter. Criteria: Invitae Variant Classification Sherloc (09022015). Collection method: clinical testing. Allele origin: germline.
Comment: This sequence change replaces serine, which is neutral and polar, with isoleucine, which is neutral and non-polar, at codon 393 of the MICAL1 protein (p.Ser393Ile). This variant is not present in population databases (gnomAD no frequency). This variant has not been reported in the literature in individuals affected with MICAL1-related conditions. An algorithm developed to predict the effect of missense changes on protein structure and function (PolyPhen-2) suggests that this variant is likely to be disruptive. In summary, the available evidence is currently insufficient to determine the role of this variant in disease. Therefore, it has been classified as a Variant of Uncertain Significance.

NM_022765.4(MICAL1):c.1121G>T (p.Ser374Ile)

Gene: MICAL1 (microtubule associated monooxygenase, calponin and LIM domain containing 1; minus strand). Cytogenetic location: 6q21.
Variant type: single nucleotide variant.
Coding change: c.1121G>T on transcript NM_022765.4 (MANE Select); coding-DNA position 1121, G replaced by T.
Protein change: p.Ser374Ile; replaces serine 374 with isoleucine.
Molecular consequence: missense variant. On other transcripts: intron variant (1).
Genome position (GRCh38, 1-based): chr6:109,450,370, C>A on the plus strand (G>T on the coding strand, the complement: MICAL1 is on the minus strand). VCF-style: chr6-109450370-C-A. GRCh37 (hg19) VCF-style: chr6-109771573-C-A.
Other names: c.1178G>T, p.Ser393Ile (NM_001286613.2); c.934-285G>T (NM_001159291.2); short protein forms S393I, S374I.
Identifiers: ClinVar variation 3644064 (VCV003644064.2).
Genomic context (GRCh38, chr6:109,450,370, plus strand): 5'-CAGTCCCCCACCAGTCCCAGCAGCAGGCGGGCGCCATGCTTCTCTTGCACACGAGCAGAA[C>A]TCTCTGCCCGCATCATGCTCGTGAAGTCAAAGGCAGAGACATCAGGCTGCCCATGGGCAT-3'
Protein context (NP_073602.3, residues 364-384): FDFTSMMRAE[Ser374Ile]SARVQEKHGA